The following is an entry in ClinVar:

NM_000057.4(BLM):c.4076+6T>A

Gene: BLM (BLM RecQ like helicase; plus strand). Cytogenetic location: 15q26.1.
Variant type: single nucleotide variant.
Coding change: c.4076+6T>A on transcript NM_000057.4 (MANE Select); 6 bases into the intron after coding-DNA position 4076, T replaced by A.
Molecular consequence: intron variant.
Genome position (GRCh38, 1-based): chr15:90,811,412, T>A. VCF-style: chr15-90811412-T-A. GRCh37 (hg19) VCF-style: chr15-91354642-T-A.
Other names: c.4076+6T>A (NM_001287246.2); c.2951+6T>A (NM_001287248.2); c.3683+6T>A (NM_001287247.2).
Identifiers: ClinVar variation 2028742 (VCV002028742.4), dbSNP rs2505567957, ClinGen allele CA2580090296.

ClinVar aggregate classification (germline): Uncertain significance (1 of 4 stars; one submission).

Conditions:
Bloom syndrome (BLM). Also called: Bloom-Torre-Machacek syndrome. Identifiers: Orphanet 125, MedGen C0005859, MONDO:0008876, OMIM 210900.

Submission:

Labcorp Genetics (formerly Invitae), Labcorp
Classification: Uncertain significance for Bloom syndrome. Last evaluated: 2022-09-03. Review status: criteria provided, single submitter. Criteria: Invitae Variant Classification Sherloc (09022015). Collection method: clinical testing. Allele origin: germline.
Comment: In summary, the available evidence is currently insufficient to determine the role of this variant in disease. Therefore, it has been classified as a Variant of Uncertain Significance. Variants that disrupt the consensus splice site are a relatively common cause of aberrant splicing (PMID: 17576681, 9536098). Algorithms developed to predict the effect of sequence changes on RNA splicing suggest that this variant is not likely to affect RNA splicing. This variant has not been reported in the literature in individuals affected with BLM-related conditions. This variant is not present in population databases (gnomAD no frequency). This sequence change falls in intron 21 of the BLM gene. It does not directly change the encoded amino acid sequence of the BLM protein. It affects a nucleotide within the consensus splice site.

Literature cited by the submitters: PubMed 17576681; PubMed 9536098.